The following is an entry in ClinVar:

NM_004356.4(CD81):c.579G>T (p.Lys193Asn)

Gene: CD81 (CD81 molecule; plus strand). Cytogenetic location: 11p15.5.
Variant type: single nucleotide variant.
Coding change: c.579G>T on transcript NM_004356.4 (MANE Select); coding-DNA position 579, G replaced by T.
Protein change: p.Lys193Asn; replaces lysine 193 with asparagine.
Molecular consequence: missense variant.
Genome position (GRCh38, 1-based): chr11:2,396,645, G>T. VCF-style: chr11-2396645-G-T. GRCh37 (hg19) VCF-style: chr11-2417875-G-T.
Other names: c.366G>T, p.Lys122Asn (NM_001297649.2, NM_001425129.1, NM_001425130.1 and 3 more transcripts); c.702G>T, p.Lys234Asn (NM_001425135.1); c.576G>T, p.Lys192Asn (NM_001425137.1); c.363G>T, p.Lys121Asn (NM_001425138.1); short protein forms K192N, K234N, K122N, K121N, K193N.
Identifiers: ClinVar variation 4731568 (VCV004731568.1).
Genomic context (GRCh38, chr11:2,396,645, plus strand): 5'-CGAGGCCCGGTCCCTGACCACGCGTGCCTGGCCACCCCTGCAGGAGGACTGCCACCAGAA[G>T]ATCGATGACCTCTTCTCCGGGAAGCTGTACCTCATCGGCATTGCTGCCATCGTGGTCGCT-3'
Protein context (NP_004347.1, residues 183-203): SNLFKEDCHQ[Lys193Asn]IDDLFSGKLY

ClinVar aggregate classification (germline): Uncertain significance (1 of 4 stars; one submission).

Submission:

Labcorp Genetics (formerly Invitae), Labcorp
Classification: Uncertain significance. Last evaluated: 2025-12-08. Review status: criteria provided, single submitter. Criteria: Invitae Variant Classification Sherloc (09022015). Collection method: clinical testing. Allele origin: germline.
Comment: This sequence change replaces lysine, which is basic and polar, with asparagine, which is neutral and polar, at codon 193 of the CD81 protein (p.Lys193Asn). This variant is not present in population databases (gnomAD no frequency). This variant has not been reported in the literature in individuals affected with CD81-related conditions. An algorithm developed to predict the effect of missense changes on protein structure and function (PolyPhen-2) suggests that this variant is likely to be disruptive. In summary, the available evidence is currently insufficient to determine the role of this variant in disease. Therefore, it has been classified as a Variant of Uncertain Significance.